The following is an entry in ClinVar:

ClinVar aggregate classification (germline): Uncertain significance. Review status: criteria provided, multiple submitters, no conflicts (2 of 4 stars). 6 submissions from 6 submitters: Uncertain significance (5). 1 of the submissions does not count toward it. Last evaluated 2025-11-27.

Conditions:
Frontotemporal dementia and/or amyotrophic lateral sclerosis 3. Also called: FTDALS3. Identifiers: Orphanet 275864, Orphanet 275872, Orphanet 803, MedGen C4225326, MONDO:0014640, OMIM 616437.
Frontotemporal dementia and/or amyotrophic lateral sclerosis 1 (FTDALS1). Also called: Frontotemporal dementia with motor neuron disease 1; C9orf72 Frontotemporal Dementia and/or Amyotrophic Lateral Sclerosis. Identifiers: Orphanet 275872, MedGen C5779877, MONDO:0007105, OMIM 105550.
Paget disease of bone 2, early-onset (PDB2). Also called: Paget disease of bone 2. Identifiers: MedGen C4085251, MONDO:0011183, OMIM 602080.
SQSTM1-related disorder. Also called: SQSTM1-Related Disorders.

Allele frequency attached by ClinVar (database versions not stated): gnomAD exomes 0.00001 and 0.00003; gnomAD 0.00005 and 0.00006; TOPMed 0.00005.

Submissions (6):

Labcorp Genetics (formerly Invitae), Labcorp
Classification: Uncertain significance for Paget disease of bone 2, early-onset; Frontotemporal dementia and/or amyotrophic lateral sclerosis 1. Last evaluated: 2025-11-27. Review status: criteria provided, single submitter. Criteria: Invitae Variant Classification Sherloc (09022015). Collection method: clinical testing. Allele origin: germline.
Comment: This sequence change replaces arginine, which is basic and polar, with cysteine, which is neutral and slightly polar, at codon 209 of the SQSTM1 protein (p.Arg209Cys). This variant is present in population databases (no rsID available, gnomAD 0.006%). This missense change has been observed in individual(s) with SQSTM1-related conditions (PMID: 28003435). This variant is also known as c.373C>T (p.R125C). ClinVar contains an entry for this variant (Variation ID: 857901). Invitae Evidence Modeling of protein sequence and biophysical properties (such as structural, functional, and spatial information, amino acid conservation, physicochemical variation, residue mobility, and thermodynamic stability) indicates that this missense variant is not expected to disrupt SQSTM1 protein function with a negative predictive value of 80%. In summary, the available evidence is currently insufficient to determine the role of this variant in disease. Therefore, it has been classified as a Variant of Uncertain Significance.

Molecular Genetics, Royal Melbourne Hospital
Classification: Uncertain significance for Frontotemporal dementia and/or amyotrophic lateral sclerosis 3. Last evaluated: 2024-01-05. Review status: criteria provided, single submitter. Criteria: ACMG Guidelines, 2015. Collection method: clinical testing. Allele origin: germline. Affected: yes.
Comment: This sequence change in SQSTM1 is predicted to replace arginine with cysteine at codon 209, p.(Arg209Cys). The arginine residue is highly conserved in mammals (100 vertebrates, UCSC), and is located in the LIM protein-binding domain nearby a phosphoserine at codon 207. There is a large physicochemical difference between arginine and cysteine. The highest population minor allele frequency in gnomAD v2.1 is 0.006% (2/30,614 alleles) in the South Asian population. This variant has been reported in one individual with frontotemporal dementia/amyotrophic lateral sclerosis (PMID: 28003435). Computational evidence predicts a benign effect for the missense substitution (REVEL = 0.225). Based on the classification scheme RMH Modified ACMG Guidelines v1.61, this variant is classified as a VARIANT OF UNCERTAIN SIGNIFICANCE. Following criteria are met: BP4.

Athena Diagnostics
Classification: Uncertain significance. Last evaluated: 2022-08-04. Review status: criteria provided, single submitter. Criteria: Athena Diagnostics Criteria. Collection method: clinical testing. Allele origin: unknown.

Victorian Clinical Genetics Services, Murdoch Childrens Research Institute
Classification: Uncertain significance for Frontotemporal dementia and/or amyotrophic lateral sclerosis 3. Last evaluated: 2022-03-31. Review status: criteria provided, single submitter. Criteria: ACMG Guidelines, 2015. Collection method: clinical testing. Allele origin: germline.
Comment: Based on the classification scheme VCGS_Germline_v1.3.4, this variant is classified as VUS-3C. Following criteria are met: 0102 - Loss of function is a known mechanism of disease in this gene and is associated with frontotemporal dementia and/or amyotrophic lateral sclerosis 3 (FTD-ALS; MIM#616437), distal myopathy with rimmed vacuoles (MIM#617158), Paget disease of bone 3 (MIM#167250) and childhood-onset neurodegeneration with ataxia, dystonia, and gaze palsy (MIM#617145). (I) 0108 - This gene is associated with both recessive and dominant disease. This gene is associated with autosomal dominant FTD-ALS (MIM#616437), distal myopathy with rimmed vacuoles (MIM#617158) and Paget disease of bone 3 (MIM#167250) and autosomal recessive childhood-onset neurodegeneration with ataxia, dystonia, and gaze palsy (MIM#617145). (I) 0112 - The condition associated with this gene has incomplete penetrance, reported for FTD-ALS and Paget disease of bone 3 (PMID: 23942205). (I) 0200 - Variant is predicted to result in a missense amino acid change from arginine to cysteine. (I) 0251 - This variant is heterozygous. (I) 0304 - Variant is present in gnomAD (v3) <0.01 (7 heterozygotes, 0 homozygotes). (SP) 0309 - An alternative amino acid change at the same position has been observed in gnomAD (v2) (p.(Arg209His): 5 heterozygotes, 0 homozygotes). (I) 0502 - Missense variant with conflicting in silico predictions and uninformative conservation. (I) 0604 - Variant is not located in an established domain, motif, hotspot or informative constraint region. (I) 0710 - Another missense variant comparable to the one identified in this case has inconclusive previous evidence for pathogenicity. The p.(Arg209His) variant has been classified as a VUS by a clinical diagnostic laboratory (ClinVar). (I) 0809 - Previous evidence of pathogenicity for this variant is inconclusive. This variant has been classified as a VUS and detected in an individual with FTD-ALS (ClinVar, PMID: 28003435). In addition, it has been identified by Royal Mebourne Hospital in an individual from a cohort with MND (personal communication). (I) 0905 - No published segregation evidence has been identified for this variant. (I) 1007 - No published functional evidence has been identified for this variant. (I) Legend: (SP) - Supporting pathogenic, (I) - Information, (SB) - Supporting benign

Mayo Clinic Laboratories, Mayo Clinic
Classification: Uncertain significance. Last evaluated: 2021-06-04. Review status: criteria provided, single submitter. Criteria: ACMG Guidelines, 2015. Collection method: clinical testing. Allele origin: germline.

PreventionGenetics, part of Exact Sciences
Classification: Uncertain significance for SQSTM1-related condition. Last evaluated: 2023-12-19. Review status: no assertion criteria provided. Collection method: clinical testing. Allele origin: germline. Not counted in ClinVar's aggregate classification.
Comment: The SQSTM1 c.625C>T variant is predicted to result in the amino acid substitution p.Arg209Cys. To our knowledge, this variant has not been reported in the literature. This variant is reported in 0.0065% of alleles in individuals of South Asian descent in gnomAD. At this time, the clinical significance of this variant is uncertain due to the absence of conclusive functional and genetic evidence.

Literature cited by the submitters: PubMed 28003435 (cited by 4 submitters); PubMed 30842500 (cited by Athena Diagnostics); PubMed 23942205 (cited by Victorian Clinical Genetics Services, Murdoch Childrens Research Institute).

NM_003900.5(SQSTM1):c.625C>T (p.Arg209Cys)

Gene: SQSTM1 (sequestosome 1; plus strand). Cytogenetic location: 5q35.3.
Variant type: single nucleotide variant.
Coding change: c.625C>T on transcript NM_003900.5 (MANE Select); coding-DNA position 625, C replaced by T.
Protein change: p.Arg209Cys; replaces arginine 209 with cysteine.
Molecular consequence: missense variant.
Genome position (GRCh38, 1-based): chr5:179,824,275, C>T. VCF-style: chr5-179824275-C-T. GRCh37 (hg19) VCF-style: chr5-179251275-C-T.
Other names: p.Arg209Cys; c.373C>T, p.Arg125Cys (NM_001142298.2, NM_001142299.2); short protein forms R125C, R209C.
Identifiers: ClinVar variation 857901 (VCV000857901.17), dbSNP rs1478180381, ClinGen allele CA362445875.